The following is an entry in ClinVar:

ClinVar aggregate classification (germline): Uncertain significance (1 of 4 stars; one submission).

gnomAD v4.1: 18 of 1,613,124 alleles (0.0011%); highest among the groups gnomAD compares: Admixed American, 0.0067%; no homozygotes.

Submission:

Labcorp Genetics (formerly Invitae), Labcorp
Classification: Uncertain significance. Last evaluated: 2022-07-19. Review status: criteria provided, single submitter. Criteria: Invitae Variant Classification Sherloc (09022015). Collection method: clinical testing. Allele origin: germline.
Comment: In summary, the available evidence is currently insufficient to determine the role of this variant in disease. Therefore, it has been classified as a Variant of Uncertain Significance. Algorithms developed to predict the effect of missense changes on protein structure and function (SIFT, PolyPhen-2, Align-GVGD) all suggest that this variant is likely to be disruptive. ClinVar contains an entry for this variant (Variation ID: 1362812). This variant has not been reported in the literature in individuals affected with HMCN1-related conditions. This variant is present in population databases (no rsID available, gnomAD 0.009%). This sequence change replaces alanine, which is neutral and non-polar, with threonine, which is neutral and polar, at codon 3085 of the HMCN1 protein (p.Ala3085Thr).

NM_031935.3(HMCN1):c.9253G>A (p.Ala3085Thr)

Gene: HMCN1 (hemicentin 1; plus strand). Cytogenetic location: 1q31.1.
Variant type: single nucleotide variant.
Coding change: c.9253G>A on transcript NM_031935.3 (MANE Select); coding-DNA position 9253, G replaced by A.
Protein change: p.Ala3085Thr; replaces alanine 3085 with threonine.
Molecular consequence: missense variant.
Genome position (GRCh38, 1-based): chr1:186,087,535, G>A. VCF-style: chr1-186087535-G-A. GRCh37 (hg19) VCF-style: chr1-186056667-G-A.
Other names: short protein forms A3085T.
Identifiers: ClinVar variation 1362812 (VCV001362812.6), dbSNP rs377710966, ClinGen allele CA343919747.